The following is an entry in ClinVar:

NM_000969.5(RPL5):c.509del (p.Gly170fs)

Genes: DIPK1A (divergent protein kinase domain 1A; minus strand), RPL5 (ribosomal protein L5; plus strand). Cytogenetic location: 1p22.1.
Variant type: Deletion.
Coding change: c.509del on transcript NM_000969.5 (MANE Select); coding-DNA position 509, one base deleted (G; older notation c.509delG).
Protein change: p.Gly170fs; shifts the reading frame from glycine 170.
Molecular consequence: frameshift variant. On other transcripts: non-coding transcript variant (1), intron variant (1).
Genome position (GRCh38, 1-based): chr1:92,836,374, G deleted; the last of 2 consecutive G bases (chr1:92,836,373-92,836,374); deleting either gives the same sequence. VCF-style (leftmost placement, unchanged base first): chr1-92836372-AG-A. GRCh37 (hg19) VCF-style: chr1-93301929-AG-A.
Other names: c.475-3339del (NM_001252273.2); short protein forms G170fs.
Identifiers: ClinVar variation 1705631 (VCV001705631.1), dbSNP rs2524458087, ClinGen allele CA2580063322.
Genomic context (GRCh38, chr1:92,836,372, plus strand): 5'-CCTTGCCAGAACTACCACTGGCAATAAAGTTTTTGGTGCCCTGAAGGGAGCTGTGGATGG[AG>A]GCTTGTCTATCCCTCACAGGTAAGAATACTATTTAAGACCTTGGTGCCTGGACCGTGGTA-3'

ClinVar aggregate classification (germline): Likely pathogenic (1 of 4 stars; one submission).

Conditions:
Diamond-Blackfan anemia 6 (DBA6). Also called: RPL5-Related Diamond-Blackfan Anemia. Identifiers: Orphanet 124, MedGen C2931850, MONDO:0012937, OMIM 612561.

Submission:

3billion
Classification: Likely pathogenic for Diamond-Blackfan anemia 6. Last evaluated: 2022-09-01. Review status: criteria provided, single submitter. Criteria: ACMG Guidelines, 2015. Collection method: clinical testing. Allele origin: germline. Affected: yes. Observed: 1 heterozygote.
Comment: The variant is not observed in the gnomAD v2.1.1 dataset. Frameshift variant is predicted to result in a loss or disruption of normal protein function through nonsense-mediated decay (NMD) or protein truncation. Multiple pathogenic variants are reported downstream of the variant. Therefore, this variant is classified as Likely pathogenic according to the recommendation of ACMG/AMP guideline.